The following is an entry in ClinVar:

NM_033305.3(VPS13A):c.8212-9C>T

Gene: VPS13A (vacuolar protein sorting 13 homolog A; plus strand). Cytogenetic location: 9q21.2.
Variant type: single nucleotide variant.
Coding change: c.8212-9C>T on transcript NM_033305.3 (MANE Select); 9 bases into the intron before coding-DNA position 8212, C replaced by T.
Molecular consequence: intron variant.
Genome position (GRCh38, 1-based): chr9:77,365,451, C>T. VCF-style: chr9-77365451-C-T. GRCh37 (hg19) VCF-style: chr9-79980367-C-T.
Other names: c.8095-9C>T (NM_001018037.2); c.8212-9C>T (NM_015186.4, NM_001018038.3, NM_033305.2).
Identifiers: ClinVar variation 2108142 (VCV002108142.6), dbSNP rs752841599, ClinGen allele CA1125710930.

ClinVar aggregate classification (germline): Likely benign. Review status: criteria provided, single submitter (1 of 4 stars). 2 submissions from 2 submitters: Likely benign (1). 1 of the submissions does not count toward it. Last evaluated 2022-03-09.

Conditions:
VPS13A-related disorder. Also called: VPS13A-related condition.

Allele frequency attached by ClinVar (database versions not stated): gnomAD exomes below 0.00001; gnomAD 0.00001.
gnomAD v4.1: 3 of 1,574,408 alleles (0.00019%); highest among the groups gnomAD compares: Non-Finnish European, 0.000087%; no homozygotes.

Submissions (2):

Labcorp Genetics (formerly Invitae), Labcorp
Classification: Likely benign. Last evaluated: 2022-03-09. Review status: criteria provided, single submitter. Criteria: Invitae Variant Classification Sherloc (09022015). Collection method: clinical testing. Allele origin: germline.

PreventionGenetics, part of Exact Sciences
Classification: Likely benign for VPS13A-related condition. Last evaluated: 2019-03-12. Review status: no assertion criteria provided. Collection method: clinical testing. Allele origin: germline. Not counted in ClinVar's aggregate classification.
Comment: This variant is classified as likely benign based on ACMG/AMP sequence variant interpretation guidelines (Richards et al. 2015 PMID: 25741868, with internal and published modifications).